The following is an entry in ClinVar:

NM_001349253.2(SCN11A):c.1909T>G (p.Phe637Val)

Gene: SCN11A (sodium voltage-gated channel alpha subunit 11; minus strand). Cytogenetic location: 3p22.2.
Variant type: single nucleotide variant.
Coding change: c.1909T>G on transcript NM_001349253.2 (MANE Select); coding-DNA position 1909, T replaced by G.
Protein change: p.Phe637Val; replaces phenylalanine 637 with valine.
Molecular consequence: missense variant.
Genome position (GRCh38, 1-based): chr3:38,900,007, A>C on the plus strand (T>G on the coding strand, the complement: SCN11A is on the minus strand). VCF-style: chr3-38900007-A-C. GRCh37 (hg19) VCF-style: chr3-38941498-A-C.
Other names: c.1909T>G, p.Phe637Val (NM_014139.3); short protein forms F637V.
Identifiers: ClinVar variation 2054913 (VCV002054913.4), dbSNP rs2470574062, ClinGen allele CA352161806.

ClinVar aggregate classification (germline): Uncertain significance (1 of 4 stars; one submission).

Conditions:
Hereditary sensory and autonomic neuropathy type 7. Also called: HSAN VII; Neuropathy, hereditary sensory and autonomic, type VII. Identifiers: Orphanet 391397, MedGen C3809882, MONDO:0014244, OMIM 615548.
Familial episodic pain syndrome with predominantly lower limb involvement. Also called: Episodic pain syndrome, familial, 3. Identifiers: Orphanet 391384, Orphanet 391392, MedGen C3809899, MONDO:0014247, OMIM 615552.

Submission:

Labcorp Genetics (formerly Invitae), Labcorp
Classification: Uncertain significance for Familial episodic pain syndrome with predominantly lower limb involvement; Hereditary sensory and autonomic neuropathy type 7. Last evaluated: 2021-12-23. Review status: criteria provided, single submitter. Criteria: Invitae Variant Classification Sherloc (09022015). Collection method: clinical testing. Allele origin: germline.
Comment: In summary, the available evidence is currently insufficient to determine the role of this variant in disease. Therefore, it has been classified as a Variant of Uncertain Significance. Algorithms developed to predict the effect of missense changes on protein structure and function (SIFT, PolyPhen-2, Align-GVGD) all suggest that this variant is likely to be disruptive. This variant has not been reported in the literature in individuals affected with SCN11A-related conditions. This variant is not present in population databases (gnomAD no frequency). This sequence change replaces phenylalanine, which is neutral and non-polar, with valine, which is neutral and non-polar, at codon 637 of the SCN11A protein (p.Phe637Val).